The following is an entry in ClinVar:

ClinVar aggregate classification (germline): Uncertain significance (1 of 4 stars; one submission).

Conditions:
Cardiovascular phenotype. Identifiers: MedGen CN230736.

gnomAD v4.1: 1 of 1,609,196 alleles (0.000062%); highest among the groups gnomAD compares: Middle Eastern, 0.017%; no homozygotes.

Submission:

Ambry Genetics
Classification: Uncertain significance for Cardiovascular phenotype. Last evaluated: 2025-05-24. Review status: criteria provided, single submitter. Criteria: Ambry Variant Classification Scheme 2023. Collection method: clinical testing. Allele origin: germline.
Comment: The p.R1113S variant (also known as c.3337C>A), located in coding exon 7 of the TNXB gene, results from a C to A substitution at nucleotide position 3337. The arginine at codon 1113 is replaced by serine, an amino acid with dissimilar properties. This amino acid position is conserved. In addition, this alteration is predicted to be tolerated by in silico analysis. Based on the available evidence, the clinical significance of this variant remains unclear.

NM_001365276.2(TNXB):c.3337C>A (p.Arg1113Ser)

Gene: TNXB (tenascin XB; minus strand). Cytogenetic location: 6p21.33.
Variant type: single nucleotide variant.
Coding change: c.3337C>A on transcript NM_001365276.2 (MANE Select); coding-DNA position 3337, C replaced by A.
Protein change: p.Arg1113Ser; replaces arginine 1113 with serine.
Molecular consequence: missense variant.
Genome position (GRCh38, 1-based): chr6:32,084,521, G>T on the plus strand (C>A on the coding strand, the complement: TNXB is on the minus strand). VCF-style: chr6-32084521-G-T. GRCh37 (hg19) VCF-style: chr6-32052298-G-T.
Other names: c.4078C>A, p.Arg1360Ser (NM_001428335.1); c.3337C>A, p.Arg1113Ser (NM_019105.8); short protein forms R1113S, R1360S.
Identifiers: ClinVar variation 3972035 (VCV003972035.1).